The following is an entry in ClinVar:

ClinVar aggregate classification (germline): Uncertain significance (1 of 4 stars; one submission).

Conditions:
Phelan-McDermid syndrome. Also called: Phelan-McDermid Syndrome-SHANK3 Related; TELOMERIC 22q13 MONOSOMY SYNDROME; 22q13.3 deletion syndrome. Identifiers: Orphanet 48652, MedGen C1853490, MONDO:0011652, OMIM 606232.
Schizophrenia 15 (SCZD15). Also called: SCHIZOPHRENIA SUSCEPTIBILITY LOCUS, CHROMOSOME 22q13-RELATED. Identifiers: MedGen C3151380, MONDO:0013498, OMIM 613950.

Submission:

Juno Genomics, Hangzhou Juno Genomics, Inc
Classification: Uncertain significance for Schizophrenia 15; Phelan-McDermid syndrome. Review status: criteria provided, single submitter. Criteria: ACMG Guidelines, 2015. Collection method: clinical testing. Allele origin: germline.
Comment: Absent from controls (or at extremely low frequency if recessive) in Genome Aggregation Database.;Multiple lines of computational evidence support a deleterious effect on the gene or gene product.

NM_001372044.2(SHANK3):c.1112+5G>A

Gene: SHANK3 (SH3 and multiple ankyrin repeat domains 3; plus strand). Cytogenetic location: 22q13.33.
Variant type: single nucleotide variant.
Coding change: c.1112+5G>A on transcript NM_001372044.2 (MANE Select); 5 bases into the intron after coding-DNA position 1112, G replaced by A.
Molecular consequence: intron variant.
Genome position (GRCh38, 1-based): chr22:50,679,433, G>A. VCF-style: chr22-50679433-G-A. GRCh37 (hg19) VCF-style: chr22-51117861-G-A.
Other names: c.1110+5G>A (NM_001372044.2).
Identifiers: ClinVar variation 5006510 (VCV005006510.2).